The following is an entry in ClinVar:

NM_000030.3(AGXT):c.-6C>T

Gene: AGXT (alanine--glyoxylate aminotransferase; plus strand). Cytogenetic location: 2q37.3.
Variant type: single nucleotide variant.
Coding change: c.-6C>T on transcript NM_000030.3 (MANE Select); 6 bases upstream of the start codon, C replaced by T.
Molecular consequence: 5 prime UTR variant.
Genome position (GRCh38, 1-based): chr2:240,868,860, C>T. VCF-style: chr2-240868860-C-T. GRCh37 (hg19) VCF-style: chr2-241808277-C-T.
Identifiers: ClinVar variation 3048343 (VCV003048343.2), dbSNP rs775983584, ClinGen allele CA2208957.
Genomic context (GRCh38, chr2:240,868,860, plus strand): 5'-ATATTCCAGGCTTTGGCCAAGGCCAGTGCAGCCCCAGGTTCCCGAGCGGCAGGTTGGGTG[C>T]GGACCATGGCCTCTCACAAGCTGCTGGTGACCCCCCCCAAGGCCCTGCTCAAGCCCCTCT-3'

ClinVar aggregate classification (germline): Likely benign (0 of 4 stars; one submission).

Conditions:
AGXT-related disorder. Also called: AGXT-related condition.

Allele frequency attached by ClinVar (database versions not stated): gnomAD 0.00002; ExAC 0.00009.

Submission:

PreventionGenetics, part of Exact Sciences
Classification: Likely benign for AGXT-related condition. Last evaluated: 2019-11-19. Review status: no assertion criteria provided. Collection method: clinical testing. Allele origin: germline.
Comment: This variant is classified as likely benign based on ACMG/AMP sequence variant interpretation guidelines (Richards et al. 2015 PMID: 25741868, with internal and published modifications).